The following is an entry in ClinVar:

NM_000090.4(COL3A1):c.229C>A (p.Pro77Thr)

Gene: COL3A1 (collagen type III alpha 1 chain; plus strand). Cytogenetic location: 2q32.2.
Variant type: single nucleotide variant.
Coding change: c.229C>A on transcript NM_000090.4 (MANE Select); coding-DNA position 229, C replaced by A.
Protein change: p.Pro77Thr; replaces proline 77 with threonine.
Molecular consequence: missense variant.
Genome position (GRCh38, 1-based): chr2:188,984,909, C>A. VCF-style: chr2-188984909-C-A. GRCh37 (hg19) VCF-style: chr2-189849635-C-A.
Other names: short protein forms P77T.
Identifiers: ClinVar variation 4756372 (VCV004756372.1).
Genomic context (GRCh38, chr2:188,984,909, plus strand): 5'-TCAGGATCCGTTCTCTGCGATGACATAATATGTGACGATCAAGAATTAGACTGCCCCAAC[C>A]CAGAAATTCCATTTGGAGAATGTTGTGCAGTTTGCCCACAGCCTCCAACTGCTGTGAGTT-3'
Protein context (NP_000081.2, residues 67-87): CDDQELDCPN[Pro77Thr]EIPFGECCAV

ClinVar aggregate classification (germline): Uncertain significance (1 of 4 stars; one submission).

Conditions:
Familial thoracic aortic aneurysm and aortic dissection (TAAD). Also called: Thoracic aortic aneurysms and dissections. Identifiers: Orphanet 91387, MedGen C4707243, MONDO:0019625.

Submission:

Color Diagnostics, LLC DBA Color Health
Classification: Uncertain significance for Familial thoracic aortic aneurysm and aortic dissection. Last evaluated: 2025-12-15. Review status: criteria provided, single submitter. Criteria: ACMG Guidelines, 2015. Collection method: clinical testing. Allele origin: germline.
Comment: This missense variant replaces proline with threonine at codon 77 of the COL3A1 protein. Computational prediction is inconclusive regarding the impact of this variant on protein structure and function. To our knowledge, functional studies have not been reported for this variant. This variant has not been reported in individuals affected with COL3A1-related disorders in the literature. This variant has not been identified in the general population by the Genome Aggregation Database (gnomAD). The available evidence is insufficient to determine the role of this variant in disease conclusively. Therefore, this variant is classified as a Variant of Uncertain Significance.